The following is an entry in ClinVar:

NM_000051.4(ATM):c.7307+2_7307+4delinsCC

Genes: ATM (ATM serine/threonine kinase; plus strand), C11orf65 (chromosome 11 open reading frame 65; minus strand). Cytogenetic location: 11q22.3.
Variant type: Indel.
Coding change: c.7307+2_7307+4delinsCC on transcript NM_000051.4 (MANE Select); the canonical splice donor site of the intron after coding-DNA position 7307 through 4 bases into the intron after coding-DNA position 7307, TAA replaced by CC.
Molecular consequence: splice donor variant. On other transcripts: intron variant (2).
Genome position (GRCh38, 1-based): chr11:108,329,240-108,329,242, TAA replaced by CC. VCF-style: chr11-108329240-TAA-CC. GRCh37 (hg19) VCF-style: chr11-108199967-TAA-CC.
Other names: c.7307+2_7307+4delinsCC (NM_001351834.2); c.641-20171_641-20169delinsGG (NM_001330368.2); c.*38+5978_*38+5980delinsGG (NM_001351110.2).
Identifiers: ClinVar variation 1758226 (VCV001758226.2), dbSNP rs2547251348, ClinGen allele CA2580083337.

ClinVar aggregate classification (germline): Likely pathogenic (1 of 4 stars; one submission).

Conditions:
Hereditary cancer-predisposing syndrome. Also called: Hereditary neoplastic syndrome; Neoplastic Syndromes, Hereditary; Tumor predisposition; Hereditary Cancer Syndrome. Identifiers: Orphanet 140162, MedGen C0027672, MeSH D009386, MONDO:0015356.

Submission:

Ambry Genetics
Classification: Likely pathogenic for Hereditary cancer-predisposing syndrome. Last evaluated: 2020-12-15. Review status: criteria provided, single submitter. Criteria: Ambry Variant Classification Scheme 2023. Collection method: clinical testing. Allele origin: germline.
Comment: The c.7307+2_7307+4delTAAinsCC intronic variant results from a deletion of 3 nucleotides and the insertion of two nucleotides starting two nucleotides after coding exon 48 of the ATM gene. This variant was not reported in population-based cohorts in the Genome Aggregation Database (gnomAD). This nucleotide region is well conserved in available vertebrate species. In silico splice site analysis predicts that this alteration may result in the creation or strengthening of a novel splice donor site. Based on the majority of available evidence to date, this variant is likely to be pathogenic.